The following is an entry in ClinVar:

ClinVar aggregate classification (germline): Likely benign (1 of 4 stars; one submission).

Allele frequency attached by ClinVar (database versions not stated): 1000 Genomes Project 30x 0.00016; 1000 Genomes Project 0.00020; TOPMed 0.00021; gnomAD 0.00026; gnomAD exomes 0.00028.
gnomAD v4.1: 127 of 469,290 alleles (0.027%); highest among the groups gnomAD compares: Non-Finnish European, 0.045%; 2 homozygotes.

Submission:

GeneDx
Classification: Likely benign. Last evaluated: 2018-02-06. Review status: criteria provided, single submitter. Criteria: GeneDx Variant Classification (06012015). Collection method: clinical testing. Allele origin: germline. Affected: yes.
Comment: This variant is considered likely benign or benign based on one or more of the following criteria: it is a conservative change, it occurs at a poorly conserved position in the protein, it is predicted to be benign by multiple in silico algorithms, and/or has population frequency not consistent with disease.

NM_006612.6(KIF1C):c.-28+8G>A

Gene: KIF1C (kinesin family member 1C; plus strand). Cytogenetic location: 17p13.2.
Variant type: single nucleotide variant.
Coding change: c.-28+8G>A on transcript NM_006612.6 (MANE Select); 8 bases into the intron after 28 bases upstream of the start codon, G replaced by A.
Molecular consequence: intron variant.
Genome position (GRCh38, 1-based): chr17:4,999,978, G>A. VCF-style: chr17-4999978-G-A. GRCh37 (hg19) VCF-style: chr17-4903273-G-A.
Identifiers: ClinVar variation 515316 (VCV000515316.1), dbSNP rs531544601, ClinGen allele CA287211009.